The following is an entry in ClinVar:

NM_001267550.2(TTN):c.57416T>C (p.Ile19139Thr)

Genes: TTN-AS1 (TTN antisense RNA 1; plus strand), TTN (titin; minus strand). Cytogenetic location: 2q31.2.
Variant type: single nucleotide variant.
Coding change: c.57416T>C on transcript NM_001267550.2 (MANE Select); coding-DNA position 57416, T replaced by C.
Protein change: p.Ile19139Thr; replaces isoleucine 19139 with threonine.
Molecular consequence: missense variant. On other transcripts: non-coding transcript variant (2).
Genome position (GRCh38, 1-based): chr2:178,597,666, A>G on the plus strand (T>C on the coding strand, the complement: TTN is on the minus strand). VCF-style: chr2-178597666-A-G. GRCh37 (hg19) VCF-style: chr2-179462393-A-G.
Other names: c.49712T>C, p.Ile16571Thr (NM_133378.4); c.52493T>C, p.Ile17498Thr (NM_001256850.1); c.30221T>C, p.Ile10074Thr (NM_003319.4); c.30596T>C, p.Ile10199Thr (NM_133432.3); c.30797T>C, p.Ile10266Thr (NM_133437.4); short protein forms I16571T, I19139T, I17498T, I10266T, I10074T, I10199T.
Identifiers: ClinVar variation 165952 (VCV000165952.9), dbSNP rs727503591, ClinGen allele CA178668.

ClinVar aggregate classification (germline): Uncertain significance. Review status: criteria provided, multiple submitters, no conflicts (2 of 4 stars). 2 submissions from 2 submitters: Uncertain significance (2). Last evaluated 2016-05-18.

Allele frequency attached by ClinVar (database versions not stated): ExAC 0.00001; gnomAD exomes 0.00001 and 0.00004; gnomAD 0.00002; TOPMed 0.00002.
gnomAD v4.1: 58 of 1,613,214 alleles (0.0036%); highest among the groups gnomAD compares: Non-Finnish European, 0.0046%; no homozygotes.

Submissions (2):

Eurofins Ntd Llc (ga)
Classification: Uncertain significance. Last evaluated: 2016-05-18. Review status: criteria provided, single submitter. Criteria: EGL Classification Definitions 2015. Collection method: clinical testing. Allele origin: germline. Observed: 2 variant alleles, 2 heterozygotes.

Laboratory for Molecular Medicine, Mass General Brigham Personalized Medicine
Classification: Uncertain significance. Last evaluated: 2013-08-14. Review status: criteria provided, single submitter. Criteria: LMM Criteria. Collection method: clinical testing. Allele origin: germline. Observed: 1 variant allele.
Comment: The Ile16571Thr variant in TTN has not been reported in individuals with cardiom yopathy or in large population studies. Computational analyses (biochemical amin o acid properties, conservation, AlignGVGD, PolyPhen2, and SIFT) do not provide strong support for or against an impact to the protein. Additional information i s needed to fully assess the clinical significance of this variant.